The following is an entry in ClinVar:

ClinVar aggregate classification (germline): Pathogenic (1 of 4 stars; one submission).

Conditions:
3-methylcrotonyl-CoA carboxylase 2 deficiency. Also called: METHYLCROTONYLGLYCINURIA, TYPE II; 3 alpha methylcrotonyl-CoA carboxylase 2 deficiency; 3 alpha methylcrotonylglycinuria 2; MCC 2 deficiency; Methylcrotonylglycinuria type 2. Identifiers: Orphanet 6, MedGen C1859499, MONDO:0008862, OMIM 210210.

Submission:

Labcorp Genetics (formerly Invitae), Labcorp
Classification: Pathogenic for 3-methylcrotonyl-CoA carboxylase 2 deficiency. Last evaluated: 2023-10-14. Review status: criteria provided, single submitter. Criteria: Invitae Variant Classification Sherloc (09022015). Collection method: clinical testing. Allele origin: germline.
Comment: This sequence change creates a premature translational stop signal (p.Leu178*) in the MCCC2 gene. It is expected to result in an absent or disrupted protein product. Loss-of-function variants in MCCC2 are known to be pathogenic (PMID: 11181649, 22642865). This variant is not present in population databases (gnomAD no frequency). This variant has not been reported in the literature in individuals affected with MCCC2-related conditions. ClinVar contains an entry for this variant (Variation ID: 1455699). For these reasons, this variant has been classified as Pathogenic.

Literature cited by the submitters: PubMed 11181649; PubMed 22642865.

NM_022132.5(MCCC2):c.533T>G (p.Leu178Ter)

Gene: MCCC2 (methylcrotonyl-CoA carboxylase subunit 2; plus strand). Cytogenetic location: 5q13.2.
Variant type: single nucleotide variant.
Coding change: c.533T>G on transcript NM_022132.5 (MANE Select); coding-DNA position 533, T replaced by G.
Protein change: p.Leu178Ter; replaces leucine 178 with a stop codon.
Molecular consequence: nonsense.
Genome position (GRCh38, 1-based): chr5:71,604,377, T>G. VCF-style: chr5-71604377-T-G. GRCh37 (hg19) VCF-style: chr5-70900204-T-G.
Other names: c.533T>G, p.Leu178Ter (NM_001363147.1); short protein forms L178*.
Identifiers: ClinVar variation 1455699 (VCV001455699.6), dbSNP rs2112328709, ClinGen allele CA360011668.
Genomic context (GRCh38, chr5:71,604,377, plus strand): 5'-TTCATAGAGATGCTTATGTTTCTCATTTCTTGTCTTCAGTTGATTCGGGAGGAGCATACT[T>G]ACCTCGACAAGCAGATGTGTTTCCAGATCGAGACCACTTTGGCCGTACATTCTATAATCA-3'